The following is an entry in ClinVar:

ClinVar aggregate classification (germline): Uncertain significance (1 of 4 stars; one submission).

gnomAD v4.1: 8 of 1,611,766 alleles (0.0005%); highest among the groups gnomAD compares: African/African-American, 0.0013%; no homozygotes.

Submission:

Labcorp Genetics (formerly Invitae), Labcorp
Classification: Uncertain significance. Last evaluated: 2025-11-08. Review status: criteria provided, single submitter. Criteria: Invitae Variant Classification Sherloc (09022015). Collection method: clinical testing. Allele origin: germline.
Comment: This sequence change affects codon 680 of the WNK4 mRNA. It is a 'silent' change, meaning that it does not change the encoded amino acid sequence of the WNK4 protein. It affects a nucleotide within the consensus splice site. This variant is present in population databases (no rsID available, gnomAD 0.007%). This variant has not been reported in the literature in individuals affected with WNK4-related conditions. Algorithms developed to predict the effect of sequence changes on RNA splicing suggest that this variant is not likely to affect RNA splicing. In summary, the available evidence is currently insufficient to determine the role of this variant in disease. Therefore, it has been classified as a Variant of Uncertain Significance.

NM_032387.5(WNK4):c.2040T>C (p.Ser680=)

Gene: WNK4 (WNK lysine deficient protein kinase 4; plus strand). Cytogenetic location: 17q21.2.
Variant type: single nucleotide variant.
Coding change: c.2040T>C on transcript NM_032387.5 (MANE Select); coding-DNA position 2040, T replaced by C.
Protein change: p.Ser680=; no amino-acid change (serine 680 retained).
Molecular consequence: synonymous variant.
Genome position (GRCh38, 1-based): chr17:42,788,407, T>C. VCF-style: chr17-42788407-T-C. GRCh37 (hg19) VCF-style: chr17-40940425-T-C.
Other names: c.1032T>C, p.Ser344= (NM_001321299.2).
Identifiers: ClinVar variation 4767546 (VCV004767546.1).